The following is an entry in ClinVar:

NM_003742.4(ABCB11):c.616A>G (p.Ile206Val)

Gene: ABCB11 (ATP binding cassette subfamily B member 11; minus strand). Cytogenetic location: 2q31.1.
Variant type: single nucleotide variant.
Coding change: c.616A>G on transcript NM_003742.4 (MANE Select); coding-DNA position 616, A replaced by G.
Protein change: p.Ile206Val; replaces isoleucine 206 with valine.
Molecular consequence: missense variant.
Genome position (GRCh38, 1-based): chr2:168,993,878, T>C on the plus strand (A>G on the coding strand, the complement: ABCB11 is on the minus strand). VCF-style: chr2-168993878-T-C. GRCh37 (hg19) VCF-style: chr2-169850388-T-C.
Other names: c.616A>G, p.Ile206Val (LRG_1199t1); short protein forms I206V.
Identifiers: ClinVar variation 287035 (VCV000287035.19), dbSNP rs11568357, ClinGen allele CA1951827.

ClinVar aggregate classification (germline): Benign/Likely benign. Review status: criteria provided, multiple submitters, no conflicts (2 of 4 stars). 6 submissions from 6 submitters: Benign (3); Likely benign (3). Last evaluated 2026-04-14.

Conditions:
Familial intrahepatic cholestasis. Identifiers: Orphanet 284385, MedGen CN296401, MONDO:0017290.

Allele frequency attached by ClinVar (database versions not stated): gnomAD exomes 0.00062; ExAC 0.00104; ESP Exome Variant Server 0.00269; gnomAD 0.00277 and 0.00297; TOPMed 0.00281; 1000 Genomes Project 0.00379; 1000 Genomes Project 30x 0.00406.
gnomAD v4.1: 776 of 1,605,438 alleles (0.048%); highest among the groups gnomAD compares: African/African-American, 0.94%; 2 homozygotes.

Submissions (6):

Genomenon, Inc
Classification: Likely benign for Familial intrahepatic cholestasis. Last evaluated: 2026-04-14. Review status: criteria provided, single submitter. Criteria: Genomenon Sequence Variant Interpretation Standards - Updated. Collection method: curation. Allele origin: germline. Affected: yes.
Comment: ABCB11 p.Ile206Val (c.616A>G) is a missense variant that changes the amino acid at residue 206 from Isoleucine to Valine. This variant has been observed in at least one proband with an ABCB11-related disorder (PMID:30934130). Functional studies have been reported (PMID:20010382). In silico models predict that this variant is not damaging. This variant's allele frequency in gnomAD is greater than expected for this disorder. In conclusion, we classify ABCB11 p.Ile206Val (c.616A>G) as a likely benign variant.

Labcorp Genetics (formerly Invitae), Labcorp
Classification: Benign. Last evaluated: 2026-01-27. Review status: criteria provided, single submitter. Criteria: Invitae Variant Classification Sherloc (09022015). Collection method: clinical testing. Allele origin: germline.

Mayo Clinic Laboratories, Mayo Clinic
Classification: Likely benign. Last evaluated: 2025-07-30. Review status: criteria provided, single submitter. Criteria: ACMG Guidelines, 2015. Collection method: clinical testing. Allele origin: germline. Observed: 2 variant alleles.
Comment: BS1, BP4_moderate

Blueprint Genetics
Classification: Likely benign. Last evaluated: 2024-09-18. Review status: criteria provided, single submitter. Criteria: ACMG Guidelines, 2015. Collection method: clinical testing. Allele origin: germline.

Eurofins Ntd Llc (ga)
Classification: Benign. Last evaluated: 2016-03-21. Review status: criteria provided, single submitter. Criteria: EGL Classification Definitions 2015. Collection method: clinical testing. Allele origin: germline. Observed: 1 variant allele, 1 heterozygote.

Breakthrough Genomics
Classification: Benign. Review status: criteria provided, single submitter. Criteria: ACMG Guidelines, 2015. Collection method: not provided. Allele origin: germline. Inheritance: Autosomal recessive inheritance. Affected: yes.

Literature cited by the submitters: PubMed 30934130 (cited by Genomenon, Inc); PubMed 20010382 (cited by Genomenon, Inc); PubMed 16763017 (cited by Mayo Clinic Laboratories, Mayo Clinic and Eurofins Ntd Llc (ga)).